The following is an entry in ClinVar:

NM_003072.5(SMARCA4):c.3107T>G (p.Met1036Arg)

Gene: SMARCA4 (SWI/SNF related BAF chromatin remodeling complex subunit ATPase 4; plus strand). Cytogenetic location: 19p13.2.
Variant type: single nucleotide variant.
Coding change: c.3107T>G on transcript NM_003072.5 (MANE Select); coding-DNA position 3107, T replaced by G.
Protein change: p.Met1036Arg; replaces methionine 1036 with arginine.
Molecular consequence: missense variant. On other transcripts: non-coding transcript variant (1).
Genome position (GRCh38, 1-based): chr19:11,025,447, T>G. VCF-style: chr19-11025447-T-G. GRCh37 (hg19) VCF-style: chr19-11136123-T-G.
Other names: c.3107T>G, p.Met1036Arg (NM_001128844.3, NM_001128845.2, NM_001128846.2 and 6 more transcripts); short protein forms M1036R.
Identifiers: ClinVar variation 4802576 (VCV004802576.1).

ClinVar aggregate classification (germline): Uncertain significance (1 of 4 stars; one submission).

Conditions:
Rhabdoid tumor predisposition syndrome 2 (RTPS2). Identifiers: Orphanet 231108, Orphanet 69077, MedGen C2750074, MONDO:0013224, OMIM 613325.

Submission:

Labcorp Genetics (formerly Invitae), Labcorp
Classification: Uncertain significance for Rhabdoid tumor predisposition syndrome 2. Last evaluated: 2025-11-15. Review status: criteria provided, single submitter. Criteria: Invitae Variant Classification Sherloc (09022015). Collection method: clinical testing. Allele origin: germline.
Comment: This sequence change replaces methionine, which is neutral and non-polar, with arginine, which is basic and polar, at codon 1036 of the SMARCA4 protein (p.Met1036Arg). This variant is not present in population databases (gnomAD no frequency). This variant has not been reported in the literature in individuals affected with SMARCA4-related conditions. Invitae Evidence Modeling of protein sequence and biophysical properties (such as structural, functional, and spatial information, amino acid conservation, physicochemical variation, residue mobility, and thermodynamic stability) indicates that this missense variant is expected to disrupt SMARCA4 protein function with a positive predictive value of 95%. In summary, the available evidence is currently insufficient to determine the role of this variant in disease. Therefore, it has been classified as a Variant of Uncertain Significance.